The following is an entry in ClinVar:

ClinVar aggregate classification (germline): Uncertain significance (1 of 4 stars; one submission).

Submission:

Labcorp Genetics (formerly Invitae), Labcorp
Classification: Uncertain significance. Last evaluated: 2026-01-07. Review status: criteria provided, single submitter. Criteria: Invitae Variant Classification Sherloc (09022015). Collection method: clinical testing. Allele origin: germline.
Comment: This sequence change replaces tyrosine, which is neutral and polar, with serine, which is neutral and polar, at codon 351 of the NFKB1 protein (p.Tyr351Ser). This variant is not present in population databases (gnomAD no frequency). This variant has not been reported in the literature in individuals affected with NFKB1-related conditions. Invitae Evidence Modeling of protein sequence and biophysical properties (such as structural, functional, and spatial information, amino acid conservation, physicochemical variation, residue mobility, and thermodynamic stability) indicates that this missense variant is not expected to disrupt NFKB1 protein function with a negative predictive value of 80%. In summary, the available evidence is currently insufficient to determine the role of this variant in disease. Therefore, it has been classified as a Variant of Uncertain Significance.

NM_003998.4(NFKB1):c.1052A>C (p.Tyr351Ser)

Gene: NFKB1 (nuclear factor kappa B subunit 1; plus strand). Cytogenetic location: 4q24.
Variant type: single nucleotide variant.
Coding change: c.1052A>C on transcript NM_003998.4 (MANE Select); coding-DNA position 1052, A replaced by C.
Protein change: p.Tyr351Ser; replaces tyrosine 351 with serine.
Molecular consequence: missense variant.
Genome position (GRCh38, 1-based): chr4:102,584,806, A>C. VCF-style: chr4-102584806-A-C. GRCh37 (hg19) VCF-style: chr4-103505963-A-C.
Other names: c.1049A>C, p.Tyr350Ser (NM_001165412.2, NM_001319226.2, NM_001382627.1); c.1052A>C, p.Tyr351Ser (NM_001382625.1, NM_001382626.1); c.1010A>C, p.Tyr337Ser (NM_001382628.1); short protein forms Y337S, Y350S, Y351S.
Identifiers: ClinVar variation 4708126 (VCV004708126.1).